The following is an entry in ClinVar:

ClinVar aggregate classification (germline): Uncertain significance (1 of 4 stars; one submission).

Conditions:
Renal cell carcinoma. Identifiers: Orphanet 217071, MedGen C0007134, MeSH D002292, MONDO:0005086, HP:0005584.

Submission:

Labcorp Genetics (formerly Invitae), Labcorp
Classification: Uncertain significance for Renal cell carcinoma. Last evaluated: 2019-12-03. Review status: criteria provided, single submitter. Criteria: Invitae Variant Classification Sherloc (09022015). Collection method: clinical testing. Allele origin: germline.
Comment: In summary, the available evidence is currently insufficient to determine the role of this variant in disease. Therefore, it has been classified as a Variant of Uncertain Significance. Algorithms developed to predict the effect of missense changes on protein structure and function are either unavailable or do not agree on the potential impact of this missense change (SIFT: "Deleterious"; PolyPhen-2: "Possibly Damaging"; Align-GVGD: "Class C0"). This variant has not been reported in the literature in individuals with MET-related conditions. This variant is not present in population databases (ExAC no frequency). This sequence change replaces isoleucine with threonine at codon 316 of the MET protein (p.Ile316Thr). The isoleucine residue is moderately conserved and there is a moderate physicochemical difference between isoleucine and threonine.

NM_000245.4(MET):c.947T>C (p.Ile316Thr)

Gene: MET (MET proto-oncogene, receptor tyrosine kinase; plus strand). Cytogenetic location: 7q31.2.
Variant type: single nucleotide variant.
Coding change: c.947T>C on transcript NM_000245.4 (MANE Select); coding-DNA position 947, T replaced by C.
Protein change: p.Ile316Thr; replaces isoleucine 316 with threonine.
Molecular consequence: missense variant. On other transcripts: intron variant (1).
Genome position (GRCh38, 1-based): chr7:116,700,031, T>C. VCF-style: chr7-116700031-T-C. GRCh37 (hg19) VCF-style: chr7-116340085-T-C.
Other names: c.947T>C, p.Ile316Thr (NM_001127500.3, NM_001324401.3); c.-91+27454T>C (NM_001324402.2); short protein forms I316T.
Identifiers: ClinVar variation 853000 (VCV000853000.9), dbSNP rs1584877972, ClinGen allele CA368970214.
Genomic context (GRCh38, chr7:116,700,031, plus strand): 5'-TGGAGTGTATTCTCACAGAAAAGAGAAAAAAGAGATCCACAAAGAAGGAAGTGTTTAATA[T>C]ACTTCAGGCTGCGTATGTCAGCAAGCCTGGGGCCCAGCTTGCTAGACAAATAGGAGCCAG-3'
Protein context (NP_000236.2, residues 306-326): KRSTKKEVFN[Ile316Thr]LQAAYVSKPG